The following is an entry in ClinVar:

NM_007194.4(CHEK2):c.1375+1del

Gene: CHEK2 (checkpoint kinase 2; minus strand). Cytogenetic location: 22q12.1.
Variant type: Deletion.
Coding change: c.1375+1del on transcript NM_007194.4 (MANE Select); the canonical splice donor site of the intron after coding-DNA position 1375, one base deleted (G; older notation c.1375+1delG).
Molecular consequence: splice donor variant.
Genome position (GRCh38, 1-based): chr22:28,695,126, C deleted on the plus strand (G on the coding strand, the reverse complement: CHEK2 is on the minus strand); the first of 2 consecutive C bases (chr22:28,695,126-28,695,127); deleting either gives the same sequence. VCF-style (leftmost placement, unchanged base first): chr22-28695125-AC-A. GRCh37 (hg19) VCF-style: chr22-29091113-AC-A.
Other names: NC_000022.10:g.29091115del; c.1375del (NM_007194.4); c.712+1del (NM_001437942.1, NM_001257387.3); c.1174+1del (NM_001349956.3); c.1288+1del (NM_145862.3); c.1381+1del (NM_001438295.1); c.1468+1del (NM_001438293.1); c.1417+1del (NM_001438294.1); and 1 more.
Identifiers: ClinVar variation 2584282 (VCV002584282.4), dbSNP rs2517794678, ClinGen allele CA1139771075.

ClinVar aggregate classification (germline): Likely pathogenic. Review status: criteria provided, multiple submitters, no conflicts (2 of 4 stars). 2 submissions from 2 submitters: Likely pathogenic (2). Last evaluated 2024-12-17.

Conditions:
Hereditary cancer-predisposing syndrome. Also called: Hereditary neoplastic syndrome; Tumor predisposition; Hereditary Cancer Syndrome; Neoplastic Syndromes, Hereditary. Identifiers: Orphanet 140162, MedGen C0027672, MeSH D009386, MONDO:0015356.
Familial cancer of breast. Also called: BREAST CANCER, FAMILIAL; hereditary breast carcinoma; Hereditary breast cancer. Identifiers: Orphanet 227535, MedGen C0346153, MONDO:0016419, OMIM 114480. Disease mechanism: loss of function.

Submissions (3):

Ambry Genetics
Classification: Likely pathogenic for Hereditary cancer-predisposing syndrome. Last evaluated: 2024-12-17. Review status: criteria provided, single submitter. Criteria: Ambry Variant Classification Scheme 2023. Collection method: clinical testing. Allele origin: germline.
Comment: The c.1375+1delG intronic variant, located in intron 11 of the CHEK2 gene, results from a deletion of one nucleotide within intron 11 of the CHEK2 gene. This variant is considered to be rare based on population cohorts in the Genome Aggregation Database (gnomAD). This nucleotide position is highly conserved in available vertebrate species. In silico splice site analysis predicts that this alteration will weaken the native splice donor site and will result in the creation or strengthening of a novel splice donor site. Alterations that disrupt the canonical splice site are expected to cause aberrant splicing, resulting in an abnormal protein or a transcript that is subject to nonsense-mediated mRNA decay. As such, this alteration is classified as likely pathogenic.

Myriad Genetics, Inc.
Classification: Likely pathogenic for Familial cancer of breast. Last evaluated: 2023-06-28. Review status: criteria provided, single submitter. Criteria: Myriad Autosomal Dominant, Autosomal Recessive and X-Linked Classification Criteria (2023). Collection method: clinical testing. Allele origin: unknown.
Comment: This variant is considered likely pathogenic. This variant occurs within a consensus splice junction and is predicted to result in abnormal mRNA splicing of either an out-of-frame exon or an in-frame exon necessary for protein stability and/or normal function.

Dr. Peter K. Rogan Lab, Western University
No classification provided (evidence only). Condition: Hepatocellular carcinoma. Review status: no classification provided. Collection method: in vitro. Allele origin: not applicable. Functional consequence: retained intron. Not counted in ClinVar's aggregate classification.